The following is an entry in ClinVar:

NM_000059.4(BRCA2):c.7087T>C (p.Tyr2363His)

Gene: BRCA2 (BRCA2 DNA repair associated; plus strand). Cytogenetic location: 13q13.1.
Variant type: single nucleotide variant.
Coding change: c.7087T>C on transcript NM_000059.4 (MANE Select); coding-DNA position 7087, T replaced by C.
Protein change: p.Tyr2363His; replaces tyrosine 2363 with histidine.
Molecular consequence: missense variant. On other transcripts: non-coding transcript variant (1).
Genome position (GRCh38, 1-based): chr13:32,354,940, T>C. VCF-style: chr13-32354940-T-C. GRCh37 (hg19) VCF-style: chr13-32929077-T-C.
Other names: c.6991T>C, p.Tyr2331His (NM_001406719.1); c.7087T>C, p.Tyr2363His (NM_001406720.1); c.2155T>C, p.Tyr719His (NM_001406721.1); c.670T>C, p.Tyr224His (NM_001406722.1); short protein forms Y224H, Y719H, Y2331H, Y2363H.
Identifiers: ClinVar variation 2855288 (VCV002855288.3), dbSNP rs2137555821, ClinGen allele CA387738522.

ClinVar aggregate classification (germline): Uncertain significance (1 of 4 stars; one submission).

Conditions:
Hereditary breast ovarian cancer syndrome. Also called: Hereditary breast and ovarian cancer syndrome (HBOC); Hereditary breast and ovarian cancer syndrome; Hereditary breast and/or ovarian cancer syndrome; Hereditary breast and ovarian cancer; Breast and ovarian cancer; BRCA1- and BRCA2-Associated Hereditary Breast and Ovarian Cancer. Identifiers: Orphanet 145, MedGen C0677776, MeSH D061325, MONDO:0003582. Disease mechanism: loss of function.

Submission:

Labcorp Genetics (formerly Invitae), Labcorp
Classification: Uncertain significance for Hereditary breast ovarian cancer syndrome. Last evaluated: 2023-04-12. Review status: criteria provided, single submitter. Criteria: Invitae Variant Classification Sherloc (09022015). Collection method: clinical testing. Allele origin: germline.
Comment: In summary, the available evidence is currently insufficient to determine the role of this variant in disease. Therefore, it has been classified as a Variant of Uncertain Significance. Advanced modeling of protein sequence and biophysical properties (such as structural, functional, and spatial information, amino acid conservation, physicochemical variation, residue mobility, and thermodynamic stability) performed at Invitae indicates that this missense variant is not expected to disrupt BRCA2 protein function. This variant has not been reported in the literature in individuals affected with BRCA2-related conditions. This variant is not present in population databases (gnomAD no frequency). This sequence change replaces tyrosine, which is neutral and polar, with histidine, which is basic and polar, at codon 2363 of the BRCA2 protein (p.Tyr2363His).